The following is an entry in ClinVar:

ClinVar aggregate classification (germline): Uncertain significance (1 of 4 stars; one submission).

Conditions:
Leigh syndrome (NULS). Also called: Leigh's necrotizing encephalopathy; Leigh's disease; Leigh Syndrome (mtDNA deletion); Leigh Disease; Subacute necrotizing encephalopathy; Necrotizing encephalopathy infantile subacute of Leigh. Identifiers: Orphanet 506, MedGen C2931891, MONDO:0009723, OMIM 256000.

Submission:

Wong Mito Lab, Molecular and Human Genetics, Baylor College of Medicine
Classification: Uncertain significance for Leigh syndrome. Last evaluated: 2019-10-17. Review status: criteria provided, single submitter. Criteria: Modified ACMG Guidelines (Unpublished). Collection method: clinical testing. Allele origin: germline.
Comment: The NC_012920.1:m.7713T>C (YP_003024029.1:p.Phe43Ser) variant in MTCO2 gene is interpretated to be a Uncertain Significance variant based on the modified ACMG guidelines (unpublished). This variant meets the following evidence codes: PP7, BP4

NC_012920.1(MT-CO2):m.7713T>C

Gene: MT-CO2 (mitochondrially encoded cytochrome c oxidase II; plus strand).
Variant type: single nucleotide variant.
Genome position: chrM-7713-T-C.
Identifiers: ClinVar variation 692765 (VCV000692765.1), dbSNP rs1603221099, ClinGen allele CA414793417.